The following is an entry in ClinVar:

NM_016824.5(ADD3):c.245G>A (p.Gly82Asp)

Gene: ADD3 (adducin 3; plus strand). Cytogenetic location: 10q25.2.
Variant type: single nucleotide variant.
Coding change: c.245G>A on transcript NM_016824.5 (MANE Select); coding-DNA position 245, G replaced by A.
Protein change: p.Gly82Asp; replaces glycine 82 with aspartic acid.
Molecular consequence: missense variant.
Genome position (GRCh38, 1-based): chr10:110,112,826, G>A. VCF-style: chr10-110112826-G-A. GRCh37 (hg19) VCF-style: chr10-111872584-G-A.
Other names: c.245G>A, p.Gly82Asp (NM_001121.4, NM_001320591.2, NM_001320592.2 and 2 more transcripts); c.11G>A, p.Gly4Asp (NM_001320594.2); c.245G>A (NM_016824.3); short protein forms G82D, G4D.
Identifiers: ClinVar variation 1351523 (VCV001351523.9), dbSNP rs371961813, ClinGen allele CA5686291.
Genomic context (GRCh38, chr10:110,112,826, plus strand): 5'-GTGTATTACAGGCCTTTCGGGAAGACTTGGAATGCCTTATTCAAGAACAGATGAAGAAAG[G>A]CCACAACCCAACTGGATTACTAGCATTACAGCAGATTGCAGATTACATCATGGCCAATTC-3'
Protein context (NP_058432.1, residues 72-92): ECLIQEQMKK[Gly82Asp]HNPTGLLALQ

ClinVar aggregate classification (germline): Uncertain significance. Review status: criteria provided, multiple submitters, no conflicts (2 of 4 stars). 2 submissions from 2 submitters: Uncertain significance (2). Last evaluated 2025-11-10.

Allele frequency attached by ClinVar (database versions not stated): gnomAD exomes 0.00004 and 0.00014; ExAC 0.00012; gnomAD 0.00012 and 0.00015; TOPMed 0.00012; 1000 Genomes Project 0.00060; 1000 Genomes Project 30x 0.00078.

Submissions (2):

Labcorp Genetics (formerly Invitae), Labcorp
Classification: Uncertain significance. Last evaluated: 2025-11-10. Review status: criteria provided, single submitter. Criteria: Invitae Variant Classification Sherloc (09022015). Collection method: clinical testing. Allele origin: germline.
Comment: This sequence change replaces glycine, which is neutral and non-polar, with aspartic acid, which is acidic and polar, at codon 82 of the ADD3 protein (p.Gly82Asp). This variant is present in population databases (rs371961813, gnomAD 0.1%). This variant has not been reported in the literature in individuals affected with ADD3-related conditions. ClinVar contains an entry for this variant (Variation ID: 1351523). Invitae Evidence Modeling of protein sequence and biophysical properties (such as structural, functional, and spatial information, amino acid conservation, physicochemical variation, residue mobility, and thermodynamic stability) has been performed for this missense variant. However, the output from this modeling did not meet the statistical confidence thresholds required to predict the impact of this variant on ADD3 protein function. In summary, the available evidence is currently insufficient to determine the role of this variant in disease. Therefore, it has been classified as a Variant of Uncertain Significance.

Ambry Genetics
Classification: Uncertain significance. Last evaluated: 2021-08-12. Review status: criteria provided, single submitter. Criteria: Ambry Variant Classification Scheme 2023. Collection method: clinical testing. Allele origin: germline.